The following is an entry in ClinVar:

NM_006231.4(POLE):c.986A>G (p.Glu329Gly)

Gene: POLE (DNA polymerase epsilon, catalytic subunit; minus strand). Cytogenetic location: 12q24.33.
Variant type: single nucleotide variant.
Coding change: c.986A>G on transcript NM_006231.4 (MANE Select); coding-DNA position 986, A replaced by G.
Protein change: p.Glu329Gly; replaces glutamic acid 329 with glycine.
Molecular consequence: missense variant.
Genome position (GRCh38, 1-based): chr12:132,676,128, T>C on the plus strand (A>G on the coding strand, the complement: POLE is on the minus strand). VCF-style: chr12-132676128-T-C. GRCh37 (hg19) VCF-style: chr12-133252714-T-C.
Other names: c.986A>G (NM_006231.2); short protein forms E329G.
Identifiers: ClinVar variation 2840346 (VCV002840346.4), dbSNP rs2542167072, ClinGen allele CA387363607.

ClinVar aggregate classification (germline): Uncertain significance. Review status: criteria provided, multiple submitters, no conflicts (2 of 4 stars). 2 submissions from 2 submitters: Uncertain significance (2). Last evaluated 2026-04-08.

Conditions:
Hereditary cancer-predisposing syndrome. Also called: Hereditary neoplastic syndrome; Neoplastic Syndromes, Hereditary; Tumor predisposition; Hereditary Cancer Syndrome. Identifiers: Orphanet 140162, MedGen C0027672, MeSH D009386, MONDO:0015356.

Submissions (2):

Ambry Genetics
Classification: Uncertain significance for Hereditary cancer-predisposing syndrome. Last evaluated: 2026-04-08. Review status: criteria provided, single submitter. Criteria: Ambry Variant Classification Scheme 2023. Collection method: clinical testing. Allele origin: germline.
Comment: The p.E329G variant (also known as c.986A>G), located in coding exon 10 of the POLE gene, results from an A to G substitution at nucleotide position 986. The glutamic acid at codon 329 is replaced by glycine, an amino acid with similar properties. This amino acid position is conserved. In addition, the in silico prediction for this alteration is inconclusive. Based on the available evidence, the clinical significance of this variant remains unclear.

Labcorp Genetics (formerly Invitae), Labcorp
Classification: Uncertain significance. Last evaluated: 2023-02-24. Review status: criteria provided, single submitter. Criteria: Invitae Variant Classification Sherloc (09022015). Collection method: clinical testing. Allele origin: germline.
Comment: This variant has not been reported in the literature in individuals affected with POLE-related conditions. Advanced modeling of protein sequence and biophysical properties (such as structural, functional, and spatial information, amino acid conservation, physicochemical variation, residue mobility, and thermodynamic stability) has been performed at Invitae for this missense variant, however the output from this modeling did not meet the statistical confidence thresholds required to predict the impact of this variant on POLE protein function. In summary, the available evidence is currently insufficient to determine the role of this variant in disease. Therefore, it has been classified as a Variant of Uncertain Significance. This sequence change replaces glutamic acid, which is acidic and polar, with glycine, which is neutral and non-polar, at codon 329 of the POLE protein (p.Glu329Gly). This variant is not present in population databases (gnomAD no frequency).